The following is an entry in ClinVar:

NM_198578.4(LRRK2):c.5399T>C (p.Ile1800Thr)

Gene: LRRK2 (leucine rich repeat kinase 2; plus strand). Cytogenetic location: 12q12.
Variant type: single nucleotide variant.
Coding change: c.5399T>C on transcript NM_198578.4 (MANE Select); coding-DNA position 5399, T replaced by C.
Protein change: p.Ile1800Thr; replaces isoleucine 1800 with threonine.
Molecular consequence: missense variant.
Genome position (GRCh38, 1-based): chr12:40,322,400, T>C. VCF-style: chr12-40322400-T-C. GRCh37 (hg19) VCF-style: chr12-40716202-T-C.
Other names: short protein forms I1800T.
Identifiers: ClinVar variation 3229692 (VCV003229692.1), dbSNP rs1945430386, ClinGen allele CA384420676.

ClinVar aggregate classification (germline): Uncertain significance (1 of 4 stars; one submission).

Conditions:
Inborn genetic diseases. Identifiers: MedGen C0950123, MeSH D030342.

Submission:

Ambry Genetics
Classification: Uncertain significance for Inborn genetic diseases. Last evaluated: 2024-02-04. Review status: criteria provided, single submitter. Criteria: Ambry Variant Classification Scheme 2023. Collection method: clinical testing. Allele origin: germline.
Comment: The p.I1800T variant (also known as c.5399T>C), located in coding exon 37 of the LRRK2 gene, results from a T to C substitution at nucleotide position 5399. The isoleucine at codon 1800 is replaced by threonine, an amino acid with similar properties. This amino acid position is conserved. In addition, this alteration is predicted to be tolerated by in silico analysis. Based on the available evidence, the clinical significance of this alteration remains unclear.